The following is an entry in ClinVar:

NM_002815.4(PSMD11):c.559C>T (p.Arg187Ter)

Gene: PSMD11 (proteasome 26S subunit, non-ATPase 11; plus strand). Cytogenetic location: 17q11.2.
Variant type: single nucleotide variant.
Coding change: c.559C>T on transcript NM_002815.4 (MANE Select); coding-DNA position 559, C replaced by T.
Protein change: p.Arg187Ter; replaces arginine 187 with a stop codon.
Molecular consequence: nonsense.
Genome position (GRCh38, 1-based): chr17:32,469,109, C>T. VCF-style: chr17-32469109-C-T. GRCh37 (hg19) VCF-style: chr17-30796127-C-T.
Other names: c.559C>T, p.Arg187Ter (NM_001270482.2); short protein forms R187*.
Identifiers: ClinVar variation 3902349 (VCV003902349.1).
Genomic context (GRCh38, chr17:32,469,109, plus strand): 5'-GTGGAAGTACAGCTTTTAGAAAGCAAAACATACCATGCCCTGAGCAACCTGCCGAAAGCC[C>T]GAGCTGCCTTAACTTCTGCTCGAACCACAGCAAATGCCATCTACTGCCCCCCTAAATTGC-3'

ClinVar aggregate classification (germline): Pathogenic (1 of 4 stars; one submission).

Conditions:
PSMD11-Related Disorders.

Submission:

Women's Health and Genetics/Laboratory Corporation of America, LabCorp
Classification: Pathogenic for PSMD11-Related Disorders. Last evaluated: 2025-05-09. Review status: criteria provided, single submitter. Criteria: LabCorp Variant Classification Summary - May 2015. Collection method: clinical testing. Allele origin: germline.
Comment: Variant summary: PSMD11 c.559C>T (p.Arg187X) results in a premature termination codon, predicted to cause a truncation of the encoded protein or absence of the protein due to nonsense mediated decay, which are commonly known mechanisms for disease. The variant was absent in 251432 control chromosomes. c.559C>T has been observed as de novo in an individual affected with growth delay, short stature, and learning difficulties (Deb_2024). The following publication has been ascertained in the context of this evaluation (PMID: 38866022). No submitters have cited clinical-significance assessments for this variant to ClinVar. Based on the evidence outlined above, the variant was classified as pathogenic.

Literature cited by the submitters: PubMed 38866022.